The following is an entry in ClinVar:

ClinVar aggregate classification (germline): Likely benign. Review status: criteria provided, single submitter (1 of 4 stars). 2 submissions from 2 submitters: Likely benign (1). 1 of the submissions does not count toward it. Last evaluated 2025-05-22.

Conditions:
Rubinstein-Taybi syndrome (RSTS). Identifiers: Orphanet 783, MedGen C0035934, MONDO:0019188.
CREBBP-related disorder. Also called: CREBBP-related condition; CREBBP-related disorders.

Allele frequency attached by ClinVar (database versions not stated): gnomAD exomes below 0.00001; ExAC 0.00002; gnomAD 0.00008; TOPMed 0.00009; ESP Exome Variant Server 0.00015; 1000 Genomes Project 30x 0.00016; 1000 Genomes Project 0.00020.
gnomAD v4.1: 18 of 1,612,068 alleles (0.0011%); highest among the groups gnomAD compares: African/African-American, 0.023%; no homozygotes.

Submissions (2):

Labcorp Genetics (formerly Invitae), Labcorp
Classification: Likely benign for Rubinstein-Taybi syndrome. Last evaluated: 2025-05-22. Review status: criteria provided, single submitter. Criteria: Invitae Variant Classification Sherloc (09022015). Collection method: clinical testing. Allele origin: germline.

PreventionGenetics, part of Exact Sciences
Classification: Likely benign for CREBBP-related condition. Last evaluated: 2021-08-17. Review status: no assertion criteria provided. Collection method: clinical testing. Allele origin: germline. Not counted in ClinVar's aggregate classification.
Comment: This variant is classified as likely benign based on ACMG/AMP sequence variant interpretation guidelines (Richards et al. 2015 PMID: 25741868, with internal and published modifications).

NM_004380.3(CREBBP):c.3918T>C (p.Phe1306=)

Gene: CREBBP (CREB binding lysine acetyltransferase; minus strand). Cytogenetic location: 16p13.3.
Variant type: single nucleotide variant.
Coding change: c.3918T>C on transcript NM_004380.3 (MANE Select); coding-DNA position 3918, T replaced by C.
Protein change: p.Phe1306=; no amino-acid change (phenylalanine 1306 retained).
Molecular consequence: synonymous variant.
Genome position (GRCh38, 1-based): chr16:3,744,958, A>G on the plus strand (T>C on the coding strand, the complement: CREBBP is on the minus strand). VCF-style: chr16-3744958-A-G. GRCh37 (hg19) VCF-style: chr16-3794959-A-G.
Other names: c.3918T>C (NM_004380.2); c.3804T>C, p.Phe1268= (NM_001079846.1).
Identifiers: ClinVar variation 1967569 (VCV001967569.7), dbSNP rs377244661, ClinGen allele CA7869662.
Genomic context (GRCh38, chr16:3,744,958, plus strand): 5'-AGCACTGAATTTGTTTTCTTTTCGAGGTCTGCCAGTTTTCTTCAAGCAGTTGTCGCACAC[A>G]AAACTGCAAAATAATAGTGGTATGATGAGACTGTATATAATGATGTAAATTGTCAAACCA-3'
Protein context (NP_004371.2, residues 1296-1316): LHYDIIWPSG[Phe1306=]VCDNCLKKTG